The following is an entry in ClinVar:

ClinVar aggregate classification (germline): Uncertain significance. Review status: criteria provided, multiple submitters, no conflicts (2 of 4 stars). 4 submissions from 4 submitters: Uncertain significance (4). Last evaluated 2026-01-28.

Conditions:
Hereditary cancer-predisposing syndrome. Also called: Neoplastic Syndromes, Hereditary; Hereditary Cancer Syndrome; Tumor predisposition; Hereditary neoplastic syndrome. Identifiers: Orphanet 140162, MedGen C0027672, MeSH D009386, MONDO:0015356.
Familial adenomatous polyposis 1 (FAP1). Also called: FAMILIAL ADENOMATOUS POLYPOSIS 1, ATTENUATED; POLYPOSIS, ADENOMATOUS INTESTINAL. Identifiers: MedGen C2713442, MONDO:0021056, OMIM 175100. Disease mechanism: loss of function.

Allele frequency attached by ClinVar (database versions not stated): gnomAD exomes below 0.00001.
gnomAD v4.1: 2 of 1,614,224 alleles (0.00012%); highest among the groups gnomAD compares: Non-Finnish European, 0.00017%; no homozygotes.

Submissions (4):

Labcorp Genetics (formerly Invitae), Labcorp
Classification: Uncertain significance for Familial adenomatous polyposis 1. Last evaluated: 2026-01-28. Review status: criteria provided, single submitter. Criteria: Invitae Variant Classification Sherloc (09022015). Collection method: clinical testing. Allele origin: germline.
Comment: This sequence change replaces methionine, which is neutral and non-polar, with valine, which is neutral and non-polar, at codon 701 of the APC protein (p.Met701Val). This variant is not present in population databases (gnomAD no frequency). This variant has not been reported in the literature in individuals affected with APC-related conditions. ClinVar contains an entry for this variant (Variation ID: 584478). Invitae Evidence Modeling of protein sequence and biophysical properties (such as structural, functional, and spatial information, amino acid conservation, physicochemical variation, residue mobility, and thermodynamic stability) indicates that this missense variant is not expected to disrupt APC protein function with a negative predictive value of 95%. In summary, the available evidence is currently insufficient to determine the role of this variant in disease. Therefore, it has been classified as a Variant of Uncertain Significance.

Color Diagnostics, LLC DBA Color Health
Classification: Uncertain significance for Hereditary cancer-predisposing syndrome. Last evaluated: 2025-07-15. Review status: criteria provided, single submitter. Criteria: ACMG Guidelines, 2015. Collection method: clinical testing. Allele origin: germline.
Comment: This missense variant replaces methionine with valine at codon 701 of the APC protein. Computational prediction suggests that this variant may not impact protein structure and function. To our knowledge, functional studies have not been reported for this variant. This variant has not been reported in individuals affected with APC-related disorders in the literature. This variant has not been identified in the general population by the Genome Aggregation Database (gnomAD). The available evidence is insufficient to determine the role of this variant in disease conclusively. Therefore, this variant is classified as a Variant of Uncertain Significance.

Ambry Genetics
Classification: Uncertain significance for Hereditary cancer-predisposing syndrome. Last evaluated: 2025-04-02. Review status: criteria provided, single submitter. Criteria: Ambry Variant Classification Scheme 2023. Collection method: clinical testing. Allele origin: germline.
Comment: The p.M701V variant (also known as c.2101A>G), located in coding exon 15 of the APC gene, results from an A to G substitution at nucleotide position 2101. The methionine at codon 701 is replaced by valine, an amino acid with highly similar properties. This amino acid position is well conserved in available vertebrate species. In addition, in silico predictors for this gene do not accurately predict pathogenicity. Missense alterations in APC are not a common cause of disease (Spier I et al. Genet Med. 2024 Feb;26(2):100992). Based on the available evidence, the clinical significance of this variant remains unclear.

GeneKor MSA
Classification: Uncertain significance for Hereditary cancer-predisposing syndrome. Last evaluated: 2018-08-01. Review status: criteria provided, single submitter. Criteria: ACMG Guidelines, 2015. Collection method: clinical testing. Allele origin: germline. Affected: yes.

NM_000038.6(APC):c.2101A>G (p.Met701Val)

Gene: APC (APC regulator of Wnt signaling pathway; plus strand). Cytogenetic location: 5q22.2.
Variant type: single nucleotide variant.
Coding change: c.2101A>G on transcript NM_000038.6 (MANE Select); coding-DNA position 2101, A replaced by G.
Protein change: p.Met701Val; replaces methionine 701 with valine.
Molecular consequence: missense variant.
Genome position (GRCh38, 1-based): chr5:112,837,695, A>G. VCF-style: chr5-112837695-A-G. GRCh37 (hg19) VCF-style: chr5-112173392-A-G.
Other names: c.2101A>G, p.Met701Val (NM_001127510.3, NM_001354895.2); c.2047A>G, p.Met683Val (NM_001127511.3); c.2155A>G, p.Met719Val (NM_001354896.2); c.2131A>G, p.Met711Val (NM_001354897.2); c.2026A>G, p.Met676Val (NM_001354898.2); c.2017A>G, p.Met673Val (NM_001354899.2); c.1978A>G, p.Met660Val (NM_001354900.2); c.1924A>G, p.Met642Val (NM_001354901.2); and 5 more; short protein forms M683V, M701V, M600V, M711V, M719V, M642V, M676V, M418V.
Identifiers: ClinVar variation 584478 (VCV000584478.3), dbSNP rs1561574872, ClinGen allele CA16025922.